The following is an entry in ClinVar:

NM_014874.4(MFN2):c.326A>G (p.Lys109Arg)

Gene: MFN2 (mitofusin 2; plus strand). Cytogenetic location: 1p36.22.
Variant type: single nucleotide variant.
Coding change: c.326A>G on transcript NM_014874.4 (MANE Select); coding-DNA position 326, A replaced by G.
Protein change: p.Lys109Arg; replaces lysine 109 with arginine.
Molecular consequence: missense variant.
Genome position (GRCh38, 1-based): chr1:11,996,170, A>G. VCF-style: chr1-11996170-A-G. GRCh37 (hg19) VCF-style: chr1-12056227-A-G.
Other names: NM_014874.4(MFN2):c.326A>G; p.Lys109Arg; c.326A>G, p.Lys109Arg (NM_001127660.2); short protein forms K109R.
Identifiers: ClinVar variation 476772 (VCV000476772.6), dbSNP rs1553142436, ClinGen allele CA338433959.

ClinVar aggregate classification (germline): Pathogenic/Likely pathogenic. Review status: criteria provided, multiple submitters, no conflicts (2 of 4 stars). 2 submissions from 2 submitters: Pathogenic (1); Likely pathogenic (1). Last evaluated 2026-01-12.

Conditions:
Charcot-Marie-Tooth disease type 2. Also called: Charcot-Marie-Tooth type 2. Identifiers: Orphanet 64746, MedGen C0270914, MONDO:0018993.
Charcot-Marie-Tooth disease type 2A2. Also called: CHARCOT-MARIE-TOOTH DISEASE, NEURONAL, TYPE 2A2; HEREDITARY MOTOR AND SENSORY NEUROPATHY IIA2; HMSN IIA2; CHARCOT-MARIE-TOOTH DISEASE, AXONAL, TYPE 2A2; CHARCOT-MARIE-TOOTH DISEASE, AXONAL, AUTOSOMAL DOMINANT, TYPE 2A2A; Charcot-Marie-Tooth Neuropathy Type 2A2. Identifiers: Orphanet 99947, MedGen C4721887, MONDO:0012231, OMIM 609260.

Submissions (2):

Labcorp Genetics (formerly Invitae), Labcorp
Classification: Pathogenic for Charcot-Marie-Tooth disease type 2. Last evaluated: 2026-01-12. Review status: criteria provided, single submitter. Criteria: Invitae Variant Classification Sherloc (09022015). Collection method: clinical testing. Allele origin: germline.
Comment: This sequence change replaces lysine, which is basic and polar, with arginine, which is basic and polar, at codon 109 of the MFN2 protein (p.Lys109Arg). This variant is not present in population databases (gnomAD no frequency). This missense change has been observed in individual(s) with autosomal dominant Charcot-Marie-Tooth disease (PMID: 28660751, 31315766). In at least one individual the variant was observed to be de novo. ClinVar contains an entry for this variant (Variation ID: 476772). Invitae Evidence Modeling of protein sequence and biophysical properties (such as structural, functional, and spatial information, amino acid conservation, physicochemical variation, residue mobility, and thermodynamic stability) indicates that this missense variant is expected to disrupt MFN2 protein function with a positive predictive value of 95%. For these reasons, this variant has been classified as Pathogenic.

Broad Center for Mendelian Genomics, Broad Institute of MIT and Harvard
Classification: Likely pathogenic for Charcot-Marie-Tooth disease type 2A2. Last evaluated: 2024-11-22. Review status: criteria provided, single submitter. Criteria: ACMG Guidelines, 2015. Collection method: curation. Allele origin: germline. Inheritance: Autosomal dominant inheritance. Study: GREGoR Consortium.
Comment: Trio exome analysis showed this variant to be de novo. The p.Lys109Arg variant in MFN2 has been reported in 3 individuals with Charcot-Marie-Tooth disease (PMID: 31315766, 28660751, 33258288), and was absent from large population studies. This variant has been reported in ClinVar (Variation ID: 476772) and has been interpreted as pathogenic by LabCorp. This variant was found to be de novo in 2 individuals with confirmed paternity and maternity (PMID: 28660751, 31315766). The number of reported affected individuals with this variant is slightly greater than expected compared to non-affected individuals with this variant. Computational prediction tools and conservation analyses suggest that this variant may impact the protein, though this information is not predictive enough to determine pathogenicity. The number of missense variants reported in MFN2 in the general population is lower than expected, suggesting there is little benign variation in this gene and slightly increasing the possibility that a missense variant in this gene may not be tolerated. In summary, although additional studies are required to fully establish its clinical significance, this variant is likely pathogenic for autosomal dominant Charcot-Marie-Tooth disease. ACMG/AMP Criteria applied: PP3_moderate, PS2_moderate, PP2, PM2_supporting, PS4_supporting (Richards 2015).

Literature cited by the submitters: PubMed 28660751 (cited by Labcorp Genetics (formerly Invitae), Labcorp); PubMed 31315766 (cited by Labcorp Genetics (formerly Invitae), Labcorp).